The following is an entry in ClinVar:

NM_000350.3(ABCA4):c.6490G>A (p.Gly2164Ser)

Gene: ABCA4 (ATP binding cassette subfamily A member 4; minus strand). Cytogenetic location: 1p22.1.
Variant type: single nucleotide variant.
Coding change: c.6490G>A on transcript NM_000350.3 (MANE Select); coding-DNA position 6490, G replaced by A.
Protein change: p.Gly2164Ser; replaces glycine 2164 with serine.
Molecular consequence: missense variant.
Genome position (GRCh38, 1-based): chr1:93,998,100, C>T on the plus strand (G>A on the coding strand, the complement: ABCA4 is on the minus strand). VCF-style: chr1-93998100-C-T. GRCh37 (hg19) VCF-style: chr1-94463656-C-T.
Other names: c.6268G>A, p.Gly2090Ser (NM_001425324.1); short protein forms G2164S, G2090S.
Identifiers: ClinVar variation 1492643 (VCV001492643.3), dbSNP rs1395925042, ClinGen allele CA341276737.

ClinVar aggregate classification (germline): Uncertain significance (1 of 4 stars; one submission).

Allele frequency attached by ClinVar (database versions not stated): gnomAD exomes below 0.00001.
gnomAD v4.1: 2 of 1,614,170 alleles (0.00012%); highest among the groups gnomAD compares: Admixed American, 0.0033%; no homozygotes.

Submission:

Labcorp Genetics (formerly Invitae), Labcorp
Classification: Uncertain significance. Last evaluated: 2021-12-15. Review status: criteria provided, single submitter. Criteria: Invitae Variant Classification Sherloc (09022015). Collection method: clinical testing. Allele origin: germline.
Comment: This sequence change replaces glycine, which is neutral and non-polar, with serine, which is neutral and polar, at codon 2164 of the ABCA4 protein (p.Gly2164Ser). This variant is present in population databases (no rsID available, gnomAD 0.003%). This variant has not been reported in the literature in individuals affected with ABCA4-related conditions. Advanced modeling of protein sequence and biophysical properties (such as structural, functional, and spatial information, amino acid conservation, physicochemical variation, residue mobility, and thermodynamic stability) performed at Invitae indicates that this missense variant is expected to disrupt ABCA4 protein function. In summary, the available evidence is currently insufficient to determine the role of this variant in disease. Therefore, it has been classified as a Variant of Uncertain Significance.